The following is an entry in ClinVar:

NM_003640.5(ELP1):c.2207_2208del (p.Leu736fs)

Gene: ELP1 (elongator acetyltransferase complex subunit 1; minus strand). Cytogenetic location: 9q31.3.
Variant type: Deletion.
Coding change: c.2207_2208del on transcript NM_003640.5 (MANE Select); coding-DNA positions 2207 to 2208, 2 bases deleted (TT; older notation c.2207_2208delTT).
Protein change: p.Leu736fs; shifts the reading frame from leucine 736.
Molecular consequence: frameshift variant.
Genome position (GRCh38, 1-based): chr9:108,898,746-108,898,747, AA deleted on the plus strand (TT on the coding strand, the reverse complement: ELP1 is on the minus strand). VCF-style (leftmost placement, unchanged base first): chr9-108898745-TAA-T. GRCh37 (hg19) VCF-style: chr9-111661025-TAA-T.
Other names: c.1865_1866del, p.Leu622fs (NM_001318360.2); c.1160_1161del, p.Leu387fs (NM_001330749.2); short protein forms L387fs, L622fs, L736fs.
Identifiers: ClinVar variation 5015691 (VCV005015691.1).

ClinVar aggregate classification (germline): Pathogenic (1 of 4 stars; one submission).

Conditions:
Familial dysautonomia. Also called: HSAN III; FD. Identifiers: Orphanet 1764, MedGen C0013364, MONDO:0009131, OMIM 223900. Disease mechanism: loss of function.

Submission:

Myriad Genetics, Inc.
Classification: Pathogenic for Familial dysautonomia. Last evaluated: 2026-03-18. Review status: criteria provided, single submitter. Criteria: Myriad Autosomal Dominant, Autosomal Recessive and X-Linked Classification Criteria (2023). Collection method: clinical testing. Allele origin: unknown.
Comment: NM_003640.3(ELP1):c.2207_2208delTT(L736Hfs*3) is expected to be pathogenic in the context of familial dysautonomia. This variant is predicted to lead to an abnormal or absent protein product due to the creation of a premature termination codon in ELP1, a gene where loss-of-function variants are known to be pathogenic. Please note: this variant was assessed in the context of healthy population screening.